The following is an entry in ClinVar:

ClinVar aggregate classification (germline): Benign (1 of 4 stars; one submission).

Allele frequency attached by ClinVar (database versions not stated): TOPMed 0.00001.

Submission:

GeneDx
Classification: Benign. Last evaluated: 2012-05-23. Review status: criteria provided, single submitter. Criteria: GeneDx Variant Classification (06012015). Collection method: clinical testing. Allele origin: germline. Affected: yes.
Comment: This variant is considered likely benign or benign based on one or more of the following criteria: it is a conservative change, it occurs at a poorly conserved position in the protein, it is predicted to be benign by multiple in silico algorithms, and/or has population frequency not consistent with disease.

NM_005726.6(TSFM):c.484-947A>G

Gene: TSFM (Ts translation elongation factor, mitochondrial; plus strand). Cytogenetic location: 12q14.1.
Variant type: single nucleotide variant.
Coding change: c.484-947A>G on transcript NM_005726.6 (MANE Select); 947 bases into the intron before coding-DNA position 484, A replaced by G.
Molecular consequence: intron variant.
Genome position (GRCh38, 1-based): chr12:57,792,039, A>G. VCF-style: chr12-57792039-A-G. GRCh37 (hg19) VCF-style: chr12-58185822-A-G.
Other names: c.484-947A>G (NM_001172697.2); c.546+12A>G (NM_001172696.2); c.484-4138A>G (NM_001172695.2).
Identifiers: ClinVar variation 137765 (VCV000137765.1), dbSNP rs587780975, ClinGen allele CA291424.
Genomic context (GRCh38, chr12:57,792,039, plus strand): 5'-GCCTGTAAACCTAGCACTTTGGGAGGCTGAAGCAGGTGGATCACTTGAGGTCAGGAGTTC[A>G]AGACCAGCGTGGCCAACATGGTGAAACCCTGTCTCCACTAAAAAAGATATAAAAATTTGC-3'